The following is an entry in ClinVar:

NM_025137.4(SPG11):c.992C>T (p.Ser331Phe)

Gene: SPG11 (SPG11 vesicle trafficking associated, spatacsin; minus strand). Cytogenetic location: 15q21.1.
Variant type: single nucleotide variant.
Coding change: c.992C>T on transcript NM_025137.4 (MANE Select); coding-DNA position 992, C replaced by T.
Protein change: p.Ser331Phe; replaces serine 331 with phenylalanine.
Molecular consequence: missense variant.
Genome position (GRCh38, 1-based): chr15:44,652,144, G>A on the plus strand (C>T on the coding strand, the complement: SPG11 is on the minus strand). VCF-style: chr15-44652144-G-A. GRCh37 (hg19) VCF-style: chr15-44944342-G-A.
Other names: c.992C>T (NM_025137.3); c.992C>T, p.Ser331Phe (NM_001160227.2, NM_001411132.1); short protein forms S331F.
Identifiers: ClinVar variation 2414199 (VCV002414199.7), dbSNP rs2505731081, ClinGen allele CA392236842.
Genomic context (GRCh38, chr15:44,652,144, plus strand): 5'-TAAAAAATAAGAACAATAAACTACATGAAAAGGAAGTTTCTGTACCTATCAATTTGGAAG[G>A]AAAACTTGGCCAGTTTCATGTTGTAGGCAGAGTTAACAGGATCATCTTCATCTACGCCCT-3'
Protein context (NP_079413.3, residues 321-341): SAYNMKLAKF[Ser331Phe]FQIDRSWKAQ

ClinVar aggregate classification (germline): Uncertain significance. Review status: criteria provided, multiple submitters, no conflicts (2 of 4 stars). 2 submissions from 2 submitters: Uncertain significance (2). Last evaluated 2025-12-10.

Conditions:
Inborn genetic diseases. Identifiers: MedGen C0950123, MeSH D030342.
Hereditary spastic paraplegia 11. Also called: Spastic paraplegia, mental retardation and thin corpus callosum; SPASTIC PARAPLEGIA, AUTOSOMAL RECESSIVE, COMPLICATED, WITH THIN CORPUS CALLOSUM; SPASTIC PARAPLEGIA, AUTOSOMAL RECESSIVE, WITH MENTAL IMPAIRMENT AND THIN CORPUS CALLOSUM; Spastic Paraplegia 11; Nakamura Osame syndrome; Autosomal recessive hereditary spastic paraplegia, mental impairment, and thin corpus callosum. Identifiers: Orphanet 2822, MedGen C1858479, MONDO:0011445, OMIM 604360.

Allele frequency attached by ClinVar (database versions not stated): gnomAD exomes below 0.00001.
gnomAD v4.1: 2 of 1,614,128 alleles (0.00012%); highest among the groups gnomAD compares: Non-Finnish European, 0.00017%; no homozygotes.

Submissions (2):

Ambry Genetics
Classification: Uncertain significance for Inborn genetic diseases. Last evaluated: 2025-12-10. Review status: criteria provided, single submitter. Criteria: Ambry Variant Classification Scheme 2023. Collection method: clinical testing. Allele origin: germline.

Labcorp Genetics (formerly Invitae), Labcorp
Classification: Uncertain significance for Hereditary spastic paraplegia 11. Last evaluated: 2022-01-16. Review status: criteria provided, single submitter. Criteria: Invitae Variant Classification Sherloc (09022015). Collection method: clinical testing. Allele origin: germline.
Comment: In summary, the available evidence is currently insufficient to determine the role of this variant in disease. Therefore, it has been classified as a Variant of Uncertain Significance. Algorithms developed to predict the effect of missense changes on protein structure and function are either unavailable or do not agree on the potential impact of this missense change (SIFT: "Deleterious"; PolyPhen-2: "Probably Damaging"; Align-GVGD: "Class C0"). This variant has not been reported in the literature in individuals affected with SPG11-related conditions. This variant is not present in population databases (gnomAD no frequency). This sequence change replaces serine, which is neutral and polar, with phenylalanine, which is neutral and non-polar, at codon 331 of the SPG11 protein (p.Ser331Phe).